The following is an entry in ClinVar:

NM_030665.4(RAI1):c.5566-6C>T

Gene: RAI1 (retinoic acid induced 1; plus strand). Cytogenetic location: 17p11.2.
Variant type: single nucleotide variant.
Coding change: c.5566-6C>T on transcript NM_030665.4 (MANE Select); 6 bases into the intron before coding-DNA position 5566, C replaced by T.
Molecular consequence: intron variant.
Genome position (GRCh38, 1-based): chr17:17,803,750, C>T. VCF-style: chr17-17803750-C-T. GRCh37 (hg19) VCF-style: chr17-17707064-C-T.
Identifiers: ClinVar variation 4997058 (VCV004997058.1).
Genomic context (GRCh38, chr17:17,803,750, plus strand): 5'-AGCCTGTAAAGCTTGAGGGCTGGGCTCCAACTGGAGACTCACCTGCCTTTCCTTTCTCTT[C>T]ATCAGATGTGTTCCAGCTGCCAAGAAGCCGGGGCCACCATTGGGTGCTGCCACAAAGGAT-3'

ClinVar aggregate classification (germline): Likely benign (1 of 4 stars; one submission).

Conditions:
RAI1-related disorder. Also called: RAI1-related condition.

Submission:

PreventionGenetics, part of Exact Sciences
Classification: Likely benign for RAI1-related condition. Last evaluated: 2025-04-28. Review status: criteria provided, single submitter. Criteria: ACMG Guidelines, 2015. Collection method: clinical testing. Allele origin: germline.
Comment: This variant is classified as likely benign based on ACMG/AMP sequence variant interpretation guidelines (Richards et al. 2015 PMID: 25741868, with internal and published modifications).